The following is an entry in ClinVar:

NM_001365276.2(TNXB):c.844C>T (p.Arg282Cys)

Gene: TNXB (tenascin XB; minus strand). Cytogenetic location: 6p21.33.
Variant type: single nucleotide variant.
Coding change: c.844C>T on transcript NM_001365276.2 (MANE Select); coding-DNA position 844, C replaced by T.
Protein change: p.Arg282Cys; replaces arginine 282 with cysteine.
Molecular consequence: missense variant.
Genome position (GRCh38, 1-based): chr6:32,097,009, G>A on the plus strand (C>T on the coding strand, the complement: TNXB is on the minus strand). VCF-style: chr6-32097009-G-A. GRCh37 (hg19) VCF-style: chr6-32064786-G-A.
Other names: c.844C>T, p.Arg282Cys (NM_001428335.1, NM_019105.8); short protein forms R282C.
Identifiers: ClinVar variation 3372513 (VCV003372513.1).

ClinVar aggregate classification (germline): Uncertain significance (1 of 4 stars; one submission).

Submission:

GeneDx
Classification: Uncertain significance. Last evaluated: 2024-05-01. Review status: criteria provided, single submitter. Criteria: GeneDx Variant Classification Process June 2021. Collection method: clinical testing. Allele origin: germline. Affected: yes.
Comment: Has not been previously published as pathogenic or benign to our knowledge; Not observed at significant frequency in large population cohorts (gnomAD); In silico analysis supports that this missense variant has a deleterious effect on protein structure/function